The following is an entry in ClinVar:

NM_000350.3(ABCA4):c.4601del (p.Leu1534fs)

Gene: ABCA4 (ATP binding cassette subfamily A member 4; minus strand). Cytogenetic location: 1p22.1.
Variant type: Deletion.
Coding change: c.4601del on transcript NM_000350.3 (MANE Select); coding-DNA position 4601, one base deleted (T; older notation c.4601delT).
Protein change: p.Leu1534fs; shifts the reading frame from leucine 1534.
Molecular consequence: frameshift variant.
Genome position (GRCh38, 1-based): chr1:94,024,987, A deleted on the plus strand (T on the coding strand, the reverse complement: ABCA4 is on the minus strand); the first of 2 consecutive A bases (chr1:94,024,987-94,024,988); deleting either gives the same sequence. VCF-style (leftmost placement, unchanged base first): chr1-94024986-CA-C. GRCh37 (hg19) VCF-style: chr1-94490542-CA-C.
Other names: c.4378delT, p.Leu1460Trpfs (NM_001425324.1); short protein forms L1534fs.
Identifiers: ClinVar variation 2732078 (VCV002732078.4), dbSNP rs2523706961, ClinGen allele CA2646648342.

ClinVar aggregate classification (germline): Pathogenic. Review status: criteria provided, multiple submitters, no conflicts (2 of 4 stars). 2 submissions from 2 submitters: Pathogenic (2). Last evaluated 2024-12-13.

Conditions:
ABCA4-related disorder. Also called: ABCA4-related disorders; ABCA4-related condition. Identifiers: MedGen CN239167.

Submissions (2):

Labcorp Genetics (formerly Invitae), Labcorp
Classification: Pathogenic. Last evaluated: 2024-12-13. Review status: criteria provided, single submitter. Criteria: Invitae Variant Classification Sherloc (09022015). Collection method: clinical testing. Allele origin: germline.
Comment: This sequence change creates a premature translational stop signal (p.Leu1534Trpfs*2) in the ABCA4 gene. It is expected to result in an absent or disrupted protein product. Loss-of-function variants in ABCA4 are known to be pathogenic (PMID: 10958761, 24938718, 25312043, 26780318). This variant is not present in population databases (gnomAD no frequency). This premature translational stop signal has been observed in individual(s) with retinopathy (PMID: 32278709). ClinVar contains an entry for this variant (Variation ID: 2732078). For these reasons, this variant has been classified as Pathogenic.

Blueprint Genetics
Classification: Pathogenic for ABCA4-related disorders. Last evaluated: 2023-08-23. Review status: criteria provided, single submitter. Criteria: ACMG Guidelines, 2015. Collection method: clinical testing. Allele origin: germline. Affected: yes. Observed: 2 variant alleles.

Literature cited by the submitters: PubMed 10958761 (cited by Labcorp Genetics (formerly Invitae), Labcorp); PubMed 24938718 (cited by Labcorp Genetics (formerly Invitae), Labcorp); PubMed 25312043 (cited by Labcorp Genetics (formerly Invitae), Labcorp); PubMed 26780318 (cited by Labcorp Genetics (formerly Invitae), Labcorp); PubMed 32278709 (cited by Labcorp Genetics (formerly Invitae), Labcorp).